The following is an entry in ClinVar:

NM_001098.3(ACO2):c.1269_1270delinsAA (p.Arg424Ser)

Gene: ACO2 (aconitase 2; plus strand). Cytogenetic location: 22q13.2.
Variant type: Indel.
Coding change: c.1269_1270delinsAA on transcript NM_001098.3 (MANE Select); coding-DNA positions 1269 to 1270, CC replaced by AA.
Protein change: p.Arg424Ser; replaces arginine 424 with serine.
Molecular consequence: missense variant.
Genome position (GRCh38, 1-based): chr22:41,522,960-41,522,961, CC replaced by AA. VCF-style: chr22-41522960-CC-AA. GRCh37 (hg19) VCF-style: chr22-41918964-CC-AA.
Other names: short protein forms R424S.
Identifiers: ClinVar variation 2710697 (VCV002710697.3), dbSNP rs2518229799, ClinGen allele CA2697552798.

ClinVar aggregate classification (germline): Uncertain significance (1 of 4 stars; one submission).

Submission:

Labcorp Genetics (formerly Invitae), Labcorp
Classification: Uncertain significance. Last evaluated: 2024-01-21. Review status: criteria provided, single submitter. Criteria: Invitae Variant Classification Sherloc (09022015). Collection method: clinical testing. Allele origin: germline.
Comment: This sequence change replaces arginine, which is basic and polar, with serine, which is neutral and polar, at codon 424 of the ACO2 protein (p.Arg424Ser). Information on the frequency of this variant in the gnomAD database is not available, as this variant may be reported differently in the database. This variant has not been reported in the literature in individuals affected with ACO2-related conditions. Experimental studies and prediction algorithms are not available or were not evaluated, and the functional significance of this variant is currently unknown. In summary, the available evidence is currently insufficient to determine the role of this variant in disease. Therefore, it has been classified as a Variant of Uncertain Significance.